The following is an entry in ClinVar:

NM_000535.7(PMS2):c.1306dup (p.Ser436fs)

Gene: PMS2 (PMS1 homolog 2, mismatch repair system component; minus strand). Cytogenetic location: 7p22.1.
Variant type: Duplication.
Coding change: c.1306dup on transcript NM_000535.7 (MANE Select); coding-DNA position 1306, one base duplicated (A; older notation c.1306dupA).
Protein change: p.Ser436fs; shifts the reading frame from serine 436.
Molecular consequence: frameshift variant. On other transcripts: non-coding transcript variant (1).
Genome position (GRCh38, 1-based): chr7:5,987,459, T duplicated on the plus strand (A on the coding strand, the reverse complement: PMS2 is on the minus strand). VCF-style (leftmost placement, unchanged base first): chr7-5987458-C-CT. GRCh37 (hg19) VCF-style: chr7-6027089-C-CT.
Other names: c.901dup, p.Ser301fs (NM_001322003.2, NM_001322004.2, NM_001322005.2 and 1 more transcripts); c.1150dup, p.Ser384fs (NM_001322006.2); c.988dup, p.Ser330fs (NM_001322007.2, NM_001322008.2); c.745dup, p.Ser249fs (NM_001322010.2); c.373dup, p.Ser125fs (NM_001322011.2, NM_001322012.2); c.733dup, p.Ser245fs (NM_001322013.2); c.1306dup, p.Ser436fs (NM_001322014.2); c.997dup, p.Ser333fs (NM_001322015.2); short protein forms S301fs, S125fs, S330fs, S436fs, S384fs, S249fs, S245fs, S333fs.
Identifiers: ClinVar variation 91300 (VCV000091300.3), dbSNP rs63750106, ClinGen allele CA331735.

ClinVar aggregate classification (germline): Pathogenic. Review status: reviewed by expert panel (3 of 4 stars). 2 submissions from 2 submitters: Pathogenic (1). 1 of the submissions does not count toward it. Last evaluated 2013-09-05.

Conditions:
Lynch syndrome. Identifiers: Orphanet 144, MedGen C4552100, MONDO:0005835. Disease mechanism: loss of function.
Mismatch repair cancer syndrome 4. Identifiers: MedGen C5436817, MONDO:0030843, OMIM 619101.

Submissions (2):

International Society for Gastrointestinal Hereditary Tumours (InSiGHT)
Classification: Pathogenic for Lynch Syndrome. Last evaluated: 2013-09-05. Review status: reviewed by expert panel. Criteria: Guidelines v1.9. Collection method: research. Allele origin: germline.
Comment: Coding sequence variation resulting in a stop codon

Classified with v1.9 guidelines

OMIM
Classification: Pathogenic for MISMATCH REPAIR CANCER SYNDROME 4. Last evaluated: 2008-05-01. Review status: no assertion criteria provided. Collection method: literature only. Allele origin: germline. Not counted in ClinVar's aggregate classification.

Literature cited by the submitters: PubMed 18007577 (cited by OMIM).